The following is an entry in ClinVar:

NM_006269.2(RP1):c.1261A>G (p.Ser421Gly)

Gene: RP1 (RP1 axonemal microtubule associated; plus strand). Cytogenetic location: 8q12.1.
Variant type: single nucleotide variant.
Coding change: c.1261A>G on transcript NM_006269.2 (MANE Select); coding-DNA position 1261, A replaced by G.
Protein change: p.Ser421Gly; replaces serine 421 with glycine.
Molecular consequence: missense variant. On other transcripts: intron variant (1).
Genome position (GRCh38, 1-based): chr8:54,625,143, A>G. VCF-style: chr8-54625143-A-G. GRCh37 (hg19) VCF-style: chr8-55537703-A-G.
Other names: c.1261A>G (NM_006269.1); c.787+2855A>G (NM_001375654.1); short protein forms S421G.
Identifiers: ClinVar variation 1009303 (VCV001009303.11), dbSNP rs1440127138, ClinGen allele CA370989748.

ClinVar aggregate classification (germline): Uncertain significance. Review status: criteria provided, multiple submitters, no conflicts (2 of 4 stars). 2 submissions from 2 submitters: Uncertain significance (2). Last evaluated 2026-05-20.

Conditions:
Inborn genetic diseases. Identifiers: MedGen C0950123, MeSH D030342.

Allele frequency attached by ClinVar (database versions not stated): TOPMed 0.00002.

Submissions (2):

Ambry Genetics
Classification: Uncertain significance for Inborn genetic diseases. Last evaluated: 2026-05-20. Review status: criteria provided, single submitter. Criteria: Ambry Variant Classification Scheme 2023. Collection method: clinical testing. Allele origin: germline.

Labcorp Genetics (formerly Invitae), Labcorp
Classification: Uncertain significance. Last evaluated: 2022-07-13. Review status: criteria provided, single submitter. Criteria: Invitae Variant Classification Sherloc (09022015). Collection method: clinical testing. Allele origin: germline.
Comment: Algorithms developed to predict the effect of missense changes on protein structure and function output the following: SIFT: "Tolerated"; PolyPhen-2: "Benign"; Align-GVGD: "Class C0". The glycine amino acid residue is found in multiple mammalian species, which suggests that this missense change does not adversely affect protein function. ClinVar contains an entry for this variant (Variation ID: 1009303). This missense change has been observed in individual(s) with autosomal dominant retinitis pigmentosa (Invitae). This variant is not present in population databases (gnomAD no frequency). This sequence change replaces serine, which is neutral and polar, with glycine, which is neutral and non-polar, at codon 421 of the RP1 protein (p.Ser421Gly). In summary, the available evidence is currently insufficient to determine the role of this variant in disease. Therefore, it has been classified as a Variant of Uncertain Significance.